The following is an entry in ClinVar:

ClinVar aggregate classification (germline): Likely benign. Review status: criteria provided, multiple submitters, no conflicts (2 of 4 stars). 3 submissions from 3 submitters: Likely benign (3). Last evaluated 2025-09-01.

Allele frequency attached by ClinVar (database versions not stated): TOPMed 0.00004; gnomAD 0.00007 and 0.00009; 1000 Genomes Project 30x 0.00016; gnomAD exomes 0.00017 and 0.00018; ExAC 0.00019; 1000 Genomes Project 0.00020; ESP Exome Variant Server 0.00023.
gnomAD v4.1: 259 of 1,613,160 alleles (0.016%); highest among the groups gnomAD compares: East Asian, 0.038%; no homozygotes.

Submissions (3):

CeGaT Center for Human Genetics Tuebingen
Classification: Likely benign. Last evaluated: 2025-09-01. Review status: criteria provided, single submitter. Criteria: CeGaT Center For Human Genetics Tuebingen Variant Classification Criteria Version 2. Collection method: clinical testing. Allele origin: germline. Affected: yes. Observed: 1 variant allele.
Comment: WDR81: BP4, BP7

Labcorp Genetics (formerly Invitae), Labcorp
Classification: Likely benign. Last evaluated: 2018-07-26. Review status: criteria provided, single submitter. Criteria: Invitae Variant Classification Sherloc (09022015). Collection method: clinical testing. Allele origin: germline.

Breakthrough Genomics
Classification: Likely benign. Review status: criteria provided, single submitter. Criteria: ACMG Guidelines, 2015. Collection method: not provided. Allele origin: germline. Inheritance: Autosomal recessive inheritance. Affected: yes.

NM_001163809.2(WDR81):c.5655C>T (p.Gly1885=)

Gene: WDR81 (WD repeat domain 81; plus strand). Cytogenetic location: 17p13.3.
Variant type: single nucleotide variant.
Coding change: c.5655C>T on transcript NM_001163809.2 (MANE Select); coding-DNA position 5655, C replaced by T.
Protein change: p.Gly1885=; no amino-acid change (glycine 1885 retained).
Molecular consequence: synonymous variant.
Genome position (GRCh38, 1-based): chr17:1,737,514, C>T. VCF-style: chr17-1737514-C-T. GRCh37 (hg19) VCF-style: chr17-1640808-C-T.
Other names: c.2046C>T, p.Gly682= (NM_001163673.2); c.1974C>T, p.Gly658= (NM_001163811.2); c.2502C>T, p.Gly834= (NM_152348.4).
Identifiers: ClinVar variation 755548 (VCV000755548.11), dbSNP rs375503371, ClinGen allele CA8273939.